The following is an entry in ClinVar:

ClinVar aggregate classification (germline): Uncertain significance. Review status: criteria provided, multiple submitters, no conflicts (2 of 4 stars). 2 submissions from 2 submitters: Uncertain significance (2). Last evaluated 2026-06-23.

Conditions:
Hereditary cancer-predisposing syndrome. Also called: Hereditary neoplastic syndrome; Neoplastic Syndromes, Hereditary; Tumor predisposition; Hereditary Cancer Syndrome. Identifiers: Orphanet 140162, MedGen C0027672, MeSH D009386, MONDO:0015356.
Renal cell carcinoma. Identifiers: Orphanet 217071, MedGen C0007134, MeSH D002292, MONDO:0005086, HP:0005584.

Submissions (2):

Ambry Genetics
Classification: Uncertain significance for Hereditary cancer-predisposing syndrome. Last evaluated: 2026-06-23. Review status: criteria provided, single submitter. Criteria: Ambry Variant Classification Scheme 2023. Collection method: clinical testing. Allele origin: germline.
Comment: The p.F720L variant (also known as c.2160T>A), located in coding exon 8 of the MET gene, results from a T to A substitution at nucleotide position 2160. The phenylalanine at codon 720 is replaced by leucine, an amino acid with highly similar properties. This amino acid position is well conserved in available vertebrate species. In addition, this alteration is predicted to be tolerated by in silico analysis. Based on the available evidence, the clinical significance of this variant remains unclear.

Labcorp Genetics (formerly Invitae), Labcorp
Classification: Uncertain significance for Renal cell carcinoma. Last evaluated: 2025-05-18. Review status: criteria provided, single submitter. Criteria: Invitae Variant Classification Sherloc (09022015). Collection method: clinical testing. Allele origin: germline.
Comment: This sequence change replaces phenylalanine, which is neutral and non-polar, with leucine, which is neutral and non-polar, at codon 720 of the MET protein (p.Phe720Leu). This variant is not present in population databases (gnomAD no frequency). This variant has not been reported in the literature in individuals affected with MET-related conditions. ClinVar contains an entry for this variant (Variation ID: 1959042). Invitae Evidence Modeling of protein sequence and biophysical properties (such as structural, functional, and spatial information, amino acid conservation, physicochemical variation, residue mobility, and thermodynamic stability) indicates that this missense variant is not expected to disrupt MET protein function with a negative predictive value of 80%. In summary, the available evidence is currently insufficient to determine the role of this variant in disease. Therefore, it has been classified as a Variant of Uncertain Significance.

NM_000245.4(MET):c.2160T>A (p.Phe720Leu)

Gene: MET (MET proto-oncogene, receptor tyrosine kinase; plus strand). Cytogenetic location: 7q31.2.
Variant type: single nucleotide variant.
Coding change: c.2160T>A on transcript NM_000245.4 (MANE Select); coding-DNA position 2160, T replaced by A.
Protein change: p.Phe720Leu; replaces phenylalanine 720 with leucine.
Molecular consequence: missense variant.
Genome position (GRCh38, 1-based): chr7:116,758,516, T>A. VCF-style: chr7-116758516-T-A. GRCh37 (hg19) VCF-style: chr7-116398570-T-A.
Other names: c.2160T>A, p.Phe720Leu (NM_001127500.3, NM_001324401.3); c.870T>A, p.Phe290Leu (NM_001324402.2); short protein forms F720L, F290L.
Identifiers: ClinVar variation 1959042 (VCV001959042.6), dbSNP rs2485720244, ClinGen allele CA368980578.